The following is an entry in ClinVar:

ClinVar aggregate classification (germline): Uncertain significance. Review status: criteria provided, multiple submitters, no conflicts (2 of 4 stars). 2 submissions from 2 submitters: Uncertain significance (2). Last evaluated 2021-08-10.

Conditions:
Cardiovascular phenotype. Identifiers: MedGen CN230736.
Alstrom syndrome (ALMS). Identifiers: Orphanet 64, MedGen C0268425, MONDO:0008763, OMIM 203800.

Allele frequency attached by ClinVar (database versions not stated): gnomAD exomes below 0.00001.
gnomAD v4.1: 7 of 1,613,092 alleles (0.00043%); highest among the groups gnomAD compares: Non-Finnish European, 0.00059%; no homozygotes.

Submissions (2):

Ambry Genetics
Classification: Uncertain significance for Cardiovascular phenotype. Last evaluated: 2021-08-10. Review status: criteria provided, single submitter. Criteria: Ambry Variant Classification Scheme 2023. Collection method: clinical testing. Allele origin: germline.
Comment: The p.T134I variant (also known as c.401C>T), located in coding exon 2 of the ALMS1 gene, results from a C to T substitution at nucleotide position 401. The threonine at codon 134 is replaced by isoleucine, an amino acid with similar properties. This amino acid position is not well conserved in available vertebrate species, and isoleucine is the reference amino acid in other vertebrate species. In addition, this alteration is predicted to be tolerated by in silico analysis. Since supporting evidence is limited at this time, the clinical significance of this alteration remains unclear.

Labcorp Genetics (formerly Invitae), Labcorp
Classification: Uncertain significance for Alstrom syndrome. Last evaluated: 2020-10-13. Review status: criteria provided, single submitter. Criteria: Invitae Variant Classification Sherloc (09022015). Collection method: clinical testing. Allele origin: germline.
Comment: This sequence change replaces threonine with isoleucine at codon 134 of the ALMS1 protein (p.Thr134Ile). The threonine residue is weakly conserved and there is a moderate physicochemical difference between threonine and isoleucine. This variant is not present in population databases (ExAC no frequency). This variant has not been reported in the literature in individuals with ALMS1-related conditions. Experimental studies and prediction algorithms are not available or were not evaluated, and the functional significance of this variant is currently unknown. In summary, the available evidence is currently insufficient to determine the role of this variant in disease. Therefore, it has been classified as a Variant of Uncertain Significance.

NM_001378454.1(ALMS1):c.398C>T (p.Thr133Ile)

Gene: ALMS1 (ALMS1 centrosome and basal body associated protein; plus strand). Cytogenetic location: 2p13.1.
Variant type: single nucleotide variant.
Coding change: c.398C>T on transcript NM_001378454.1 (MANE Select); coding-DNA position 398, C replaced by T.
Protein change: p.Thr133Ile; replaces threonine 133 with isoleucine.
Molecular consequence: missense variant.
Genome position (GRCh38, 1-based): chr2:73,408,695, C>T. VCF-style: chr2-73408695-C-T. GRCh37 (hg19) VCF-style: chr2-73635823-C-T.
Other names: c.401C>T, p.Thr134Ile (NM_015120.4); short protein forms T133I, T134I.
Identifiers: ClinVar variation 1061181 (VCV001061181.6), dbSNP rs1348003970, ClinGen allele CA347257644.